The following is an entry in ClinVar:

NM_001271.4(CHD2):c.4304C>T (p.Ser1435Leu)

Gene: CHD2 (chromodomain helicase DNA binding protein 2; plus strand). Cytogenetic location: 15q26.1.
Variant type: single nucleotide variant.
Coding change: c.4304C>T on transcript NM_001271.4 (MANE Select); coding-DNA position 4304, C replaced by T.
Protein change: p.Ser1435Leu; replaces serine 1435 with leucine.
Molecular consequence: missense variant.
Genome position (GRCh38, 1-based): chr15:93,004,642, C>T. VCF-style: chr15-93004642-C-T. GRCh37 (hg19) VCF-style: chr15-93547872-C-T.
Other names: c.4304C>T (NM_001271.3); short protein forms S1435L.
Identifiers: ClinVar variation 1978025 (VCV001978025.6), dbSNP rs2505607939, ClinGen allele CA393903164.

ClinVar aggregate classification (germline): Uncertain significance. Review status: criteria provided, multiple submitters, no conflicts (2 of 4 stars). 2 submissions from 2 submitters: Uncertain significance (2). Last evaluated 2023-12-06.

Conditions:
Developmental and epileptic encephalopathy 94 (DEE94). Also called: Epileptic encephalopathy, childhood-onset; CHD2-Related Neurodevelopmental Disorders. Identifiers: Orphanet 1942, Orphanet 2382, MedGen C3809278, MONDO:0014150, OMIM 615369.

Allele frequency attached by ClinVar (database versions not stated): gnomAD exomes below 0.00001.
gnomAD v4.1: 1 of 1,612,182 alleles (0.000062%); highest among the groups gnomAD compares: Non-Finnish European, 0.000085%; no homozygotes.

Submissions (2):

GeneDx
Classification: Uncertain significance. Last evaluated: 2023-12-06. Review status: criteria provided, single submitter. Criteria: GeneDx Variant Classification Process June 2021. Collection method: clinical testing. Allele origin: germline. Affected: yes.
Comment: Not observed at significant frequency in large population cohorts (gnomAD); In silico analysis supports that this missense variant does not alter protein structure/function; In silico analysis is inconclusive as to whether the variant alters gene splicing. In the absence of RNA/functional studies, the actual effect of this sequence change is unknown.; Has not been previously published as pathogenic or benign to our knowledge

Labcorp Genetics (formerly Invitae), Labcorp
Classification: Uncertain significance for Developmental and epileptic encephalopathy 94. Last evaluated: 2022-12-24. Review status: criteria provided, single submitter. Criteria: Invitae Variant Classification Sherloc (09022015). Collection method: clinical testing. Allele origin: germline.
Comment: Algorithms developed to predict the effect of sequence changes on RNA splicing suggest that this variant may disrupt the consensus splice site. This sequence change replaces serine, which is neutral and polar, with leucine, which is neutral and non-polar, at codon 1435 of the CHD2 protein (p.Ser1435Leu). This variant is not present in population databases (gnomAD no frequency). This variant has not been reported in the literature in individuals affected with CHD2-related conditions. Advanced modeling of protein sequence and biophysical properties (such as structural, functional, and spatial information, amino acid conservation, physicochemical variation, residue mobility, and thermodynamic stability) performed at Invitae indicates that this missense variant is not expected to disrupt CHD2 protein function. In summary, the available evidence is currently insufficient to determine the role of this variant in disease. Therefore, it has been classified as a Variant of Uncertain Significance.